The following is an entry in ClinVar:

ClinVar aggregate classification (germline): Likely benign (1 of 4 stars; one submission).

Submission:

Dasa
Classification: Likely benign. Last evaluated: 2026-01-05. Review status: criteria provided, single submitter. Criteria: DASA Assertion Criteria. Collection method: clinical testing. Allele origin: germline.
Comment: NM_012452.3(TNFRSF13B):c.*150_*151del is a sequence variant. The variant context is inconsistent with a known disease-causing mechanism. Computational prediction algorithms are consistent with a benign effect. Therefore, based on the currently available evidence, this variant is classified as likely benign.

NM_012452.3(TNFRSF13B):c.*142GA[4]

Gene: TNFRSF13B (TNF receptor superfamily member 13B; minus strand). Cytogenetic location: 17p11.2.
Variant type: Microsatellite.
Coding change: c.*142GA[4] on transcript NM_012452.3 (MANE Select); four copies in a row of the 2-base unit GA starting at c.*142; the reference has five copies in a row; one copy, 2 bases deleted.
Molecular consequence: 3 prime UTR variant.
Genome position (GRCh38, 1-based): chr17:16,939,396-16,939,397, TC deleted on the plus strand (GA on the coding strand, the reverse complement: TNFRSF13B is on the minus strand); deleting any 2 consecutive bases within chr17:16,939,396-16,939,405 gives the same sequence; the position shown is the placement nearest the transcript's 3' end. VCF-style (leftmost placement, unchanged base first): chr17-16939395-GTC-G. GRCh37 (hg19) VCF-style: chr17-16842709-GTC-G.
Other names: c.*150_*151del (NM_012452.3).
Identifiers: ClinVar variation 4886386 (VCV004886386.2).